The following is an entry in ClinVar:

NM_021147.5(CCNO):c.445C>G (p.Leu149Val)

Gene: CCNO (cyclin O; minus strand). Cytogenetic location: 5q11.2.
Variant type: single nucleotide variant.
Coding change: c.445C>G on transcript NM_021147.5 (MANE Select); coding-DNA position 445, C replaced by G.
Protein change: p.Leu149Val; replaces leucine 149 with valine.
Molecular consequence: missense variant. On other transcripts: non-coding transcript variant (3).
Genome position (GRCh38, 1-based): chr5:55,232,483, G>C on the plus strand (C>G on the coding strand, the complement: CCNO is on the minus strand). VCF-style: chr5-55232483-G-C. GRCh37 (hg19) VCF-style: chr5-54528311-G-C.
Other names: short protein forms L149V.
Identifiers: ClinVar variation 2976565 (VCV002976565.3), dbSNP rs1170297559, ClinGen allele CA359723371.
Genomic context (GRCh38, chr5:55,232,483, plus strand): 5'-GCGTGGTGGTGAGGAAGCGGTCCAGAGTGTTCACCGTCAGGCACAGCGACTCGAAGGAGA[G>C]GCCGAATTGGCGGTGCACCGGGATCAGCCAGCTGAGCAGCTTACAGCGGGATTCCGCCGT-3'
Protein context (NP_066970.3, residues 139-159): WLIPVHRQFG[Leu149Val]SFESLCLTVN

ClinVar aggregate classification (germline): Uncertain significance (1 of 4 stars; one submission).

Conditions:
Primary ciliary dyskinesia. Also called: Ciliary dyskinesia. Identifiers: Orphanet 244, MedGen C0008780, MONDO:0016575, HP:0012265.

Allele frequency attached by ClinVar (database versions not stated): gnomAD exomes below 0.00001; gnomAD 0.00001.
gnomAD v4.1: 2 of 1,613,844 alleles (0.00012%); highest among the groups gnomAD compares: Non-Finnish European, 0.00017%; no homozygotes.

Submission:

Labcorp Genetics (formerly Invitae), Labcorp
Classification: Uncertain significance for Primary ciliary dyskinesia. Last evaluated: 2023-05-20. Review status: criteria provided, single submitter. Criteria: Invitae Variant Classification Sherloc (09022015). Collection method: clinical testing. Allele origin: germline.
Comment: In summary, the available evidence is currently insufficient to determine the role of this variant in disease. Therefore, it has been classified as a Variant of Uncertain Significance. Advanced modeling of protein sequence and biophysical properties (such as structural, functional, and spatial information, amino acid conservation, physicochemical variation, residue mobility, and thermodynamic stability) performed at Invitae indicates that this missense variant is not expected to disrupt CCNO protein function. This variant has not been reported in the literature in individuals affected with CCNO-related conditions. This variant is present in population databases (no rsID available, gnomAD 0.01%). This sequence change replaces leucine, which is neutral and non-polar, with valine, which is neutral and non-polar, at codon 149 of the CCNO protein (p.Leu149Val).